The following is an entry in ClinVar:

ClinVar aggregate classification (germline): Conflicting classifications of pathogenicity. Review status: criteria provided, conflicting classifications (1 of 4 stars). 2 submissions from 2 submitters: Uncertain significance (1); Likely benign (1). Last evaluated 2025-01-16.

Conditions:
Familial cancer of breast. Also called: Hereditary breast cancer; BREAST CANCER, FAMILIAL; hereditary breast carcinoma. Identifiers: Orphanet 227535, MedGen C0346153, MONDO:0016419, OMIM 114480. Disease mechanism: loss of function.

Allele frequency attached by ClinVar (database versions not stated): gnomAD exomes below 0.00001.
gnomAD v4.1: 1 of 1,613,332 alleles (0.000062%); highest among the groups gnomAD compares: Non-Finnish European, 0.000085%; no homozygotes.

Submissions (2):

Myriad Genetics, Inc.
Classification: Likely benign for Familial cancer of breast. Last evaluated: 2025-01-16. Review status: criteria provided, single submitter. Criteria: Myriad Autosomal Dominant, Autosomal Recessive and X-Linked Classification Criteria (2023). Collection method: clinical testing. Allele origin: unknown.
Comment: This variant is considered likely benign. This variant is intronic and is not expected to impact mRNA splicing.

Women's Health and Genetics/Laboratory Corporation of America, LabCorp
Classification: Uncertain significance. Last evaluated: 2019-01-02. Review status: criteria provided, single submitter. Criteria: LabCorp Variant Classification Summary - May 2015. Collection method: clinical testing. Allele origin: germline.
Comment: Variant summary: PALB2 c.2514+5A>G alters a non-conserved nucleotide located close to a canonical splice site and therefore could affect mRNA splicing, leading to a significantly altered protein sequence. 5/5 computational tools predict no significant impact on normal splicing. However, these predictions have yet to be confirmed by functional studies. The variant was absent in 245226 control chromosomes (gnomAD). The available data on variant occurrences in the general population are insufficient to allow any conclusion about variant significance. To our knowledge, no occurrence of c.2514+5A>G in individuals affected with Hereditary Breast and Ovarian Cancer and no experimental evidence demonstrating its impact on protein function have been reported. Co-occurrences with other pathogenic variant(s) have been reported (BRCA1 c.5194-1G>A, internal specimen), providing supporting evidence for a benign role. No clinical diagnostic laboratories have submitted clinical-significance assessments for this variant to ClinVar after 2014. Based on the evidence outlined above, the variant was classified as VUS-possibly benign.

NM_024675.4(PALB2):c.2514+5A>G

Gene: PALB2 (partner and localizer of BRCA2; minus strand). Cytogenetic location: 16p12.2.
Variant type: single nucleotide variant.
Coding change: c.2514+5A>G on transcript NM_024675.4 (MANE Select); 5 bases into the intron after coding-DNA position 2514, A replaced by G.
Molecular consequence: intron variant.
Genome position (GRCh38, 1-based): chr16:23,629,635, T>C on the plus strand (A>G on the coding strand, the complement: PALB2 is on the minus strand). VCF-style: chr16-23629635-T-C. GRCh37 (hg19) VCF-style: chr16-23640956-T-C.
Identifiers: ClinVar variation 928610 (VCV000928610.2), dbSNP rs1966855329, ClinGen allele CA1139664588.
Genomic context (GRCh38, chr16:23,629,635, plus strand): 5'-CTGTTTACATTCACTAAGGCATTTCATTCCTTCAGAGAAAATTTCACAGAGGAAATGGAT[T>C]GTACCTGTTCGACGGAATGTTTATGCAGCTCCTGGCATGTGTTTCTACAGAGCTGATTTT-3'